The following is an entry in ClinVar:

NM_025137.4(SPG11):c.1129C>G (p.His377Asp)

Gene: SPG11 (SPG11 vesicle trafficking associated, spatacsin; minus strand). Cytogenetic location: 15q21.1.
Variant type: single nucleotide variant.
Coding change: c.1129C>G on transcript NM_025137.4 (MANE Select); coding-DNA position 1129, C replaced by G.
Protein change: p.His377Asp; replaces histidine 377 with aspartic acid.
Molecular consequence: missense variant.
Genome position (GRCh38, 1-based): chr15:44,651,818, G>C on the plus strand (C>G on the coding strand, the complement: SPG11 is on the minus strand). VCF-style: chr15-44651818-G-C. GRCh37 (hg19) VCF-style: chr15-44944016-G-C.
Other names: c.1129C>G, p.His377Asp (NM_001160227.2, NM_001411132.1); short protein forms H377D.
Identifiers: ClinVar variation 2166262 (VCV002166262.1), dbSNP rs2084788162, ClinGen allele CA392236532.

ClinVar aggregate classification (germline): Uncertain significance (1 of 4 stars; one submission).

Conditions:
Hereditary spastic paraplegia 11. Also called: Nakamura Osame syndrome; Autosomal recessive hereditary spastic paraplegia, mental impairment, and thin corpus callosum; SPASTIC PARAPLEGIA, AUTOSOMAL RECESSIVE, COMPLICATED, WITH THIN CORPUS CALLOSUM; SPASTIC PARAPLEGIA, AUTOSOMAL RECESSIVE, WITH MENTAL IMPAIRMENT AND THIN CORPUS CALLOSUM; Spastic Paraplegia 11; Spastic paraplegia, mental retardation and thin corpus callosum. Identifiers: Orphanet 2822, MedGen C1858479, MONDO:0011445, OMIM 604360.

Allele frequency attached by ClinVar (database versions not stated): gnomAD exomes below 0.00001; gnomAD 0.00001.
gnomAD v4.1: 2 of 1,613,984 alleles (0.00012%); highest among the groups gnomAD compares: Admixed American, 0.0017%; no homozygotes.

Submission:

Labcorp Genetics (formerly Invitae), Labcorp
Classification: Uncertain significance for Hereditary spastic paraplegia 11. Last evaluated: 2022-02-28. Review status: criteria provided, single submitter. Criteria: Invitae Variant Classification Sherloc (09022015). Collection method: clinical testing. Allele origin: germline.
Comment: This sequence change replaces histidine, which is basic and polar, with aspartic acid, which is acidic and polar, at codon 377 of the SPG11 protein (p.His377Asp). This variant is not present in population databases (gnomAD no frequency). This variant has not been reported in the literature in individuals affected with SPG11-related conditions. Algorithms developed to predict the effect of missense changes on protein structure and function are either unavailable or do not agree on the potential impact of this missense change (SIFT: "Deleterious"; PolyPhen-2: "Possibly Damaging"; Align-GVGD: "Class C0"). In summary, the available evidence is currently insufficient to determine the role of this variant in disease. Therefore, it has been classified as a Variant of Uncertain Significance.